The following is an entry in ClinVar:

ClinVar aggregate classification (germline): Conflicting classifications of pathogenicity. Review status: criteria provided, conflicting classifications (1 of 4 stars). 5 submissions from 5 submitters: Uncertain significance (3); Likely benign (2). Last evaluated 2026-01-20.

Conditions:
Hereditary cancer-predisposing syndrome. Also called: Hereditary neoplastic syndrome; Neoplastic Syndromes, Hereditary; Hereditary Cancer Syndrome; Tumor predisposition. Identifiers: Orphanet 140162, MedGen C0027672, MeSH D009386, MONDO:0015356.
Tuberous sclerosis syndrome (TSC). Also called: Tuberous Sclerosis Complex; Tuberous sclerosis. Identifiers: Orphanet 805, MedGen C0041341, MONDO:0001734.
Tuberous sclerosis 1 (TSC1). Identifiers: Orphanet 805, MedGen C1854465, MONDO:0008612, OMIM 191100.

Allele frequency attached by ClinVar (database versions not stated): gnomAD exomes below 0.00001; TOPMed below 0.00001; ExAC 0.00001; gnomAD 0.00001.
gnomAD v4.1: 4 of 1,613,992 alleles (0.00025%); highest among the groups gnomAD compares: Admixed American, 0.0017%; no homozygotes.

Submissions (5):

Labcorp Genetics (formerly Invitae), Labcorp
Classification: Likely benign for Tuberous sclerosis 1. Last evaluated: 2026-01-20. Review status: criteria provided, single submitter. Criteria: Invitae Variant Classification Sherloc (09022015). Collection method: clinical testing. Allele origin: germline.

Color Diagnostics, LLC DBA Color Health
Classification: Uncertain significance for Tuberous sclerosis syndrome. Last evaluated: 2025-07-23. Review status: criteria provided, single submitter. Criteria: ACMG Guidelines, 2015. Collection method: clinical testing. Allele origin: germline.
Comment: This missense variant replaces proline with leucine at codon 397 of the TSC1 protein. Computational prediction is inconclusive regarding the impact of this variant on protein structure and function. To our knowledge, functional studies have not been reported for this variant. This variant has not been reported in individuals affected with TSC1-related disorders in the literature. This variant has been identified in 1/250970 chromosomes in the general population by the Genome Aggregation Database (gnomAD). The available evidence is insufficient to determine the role of this variant in disease conclusively. Therefore, this variant is classified as a Variant of Uncertain Significance.

Ambry Genetics
Classification: Likely benign for Hereditary cancer-predisposing syndrome. Last evaluated: 2023-04-10. Review status: criteria provided, single submitter. Criteria: Ambry Variant Classification Scheme 2023. Collection method: clinical testing. Allele origin: germline.

Sema4
Classification: Uncertain significance for Hereditary cancer-predisposing syndrome. Last evaluated: 2022-01-02. Review status: criteria provided, single submitter. Criteria: Sema4 Curation Guidelines. Collection method: curation. Allele origin: germline.
Comment: The TSC1 c.1190C>T (p.P397L) variant has not been reported in the literature to our knowledge. This variant has been reported in 1/250970 chromosomes in the large and broad cohorts of the Genome Aggregation Database (PMID: 32461654). This variant has been reported in ClinVar (Variation ID: 576855). Functional studies have not been performed, and in silico predictions of the variant's effect on protein function are inconclusive. The evidence is insufficient to meet ACMG/AMP criteria for classifying the variant as benign or pathogenic. Thus, the clinical significance of this variant is currently uncertain.

Blueprint Genetics
Classification: Uncertain significance. Last evaluated: 2021-04-27. Review status: criteria provided, single submitter. Criteria: ACMG Guidelines, 2015. Collection method: clinical testing. Allele origin: germline.

NM_000368.5(TSC1):c.1190C>T (p.Pro397Leu)

Gene: TSC1 (TSC complex subunit 1; minus strand). Cytogenetic location: 9q34.13.
Variant type: single nucleotide variant.
Coding change: c.1190C>T on transcript NM_000368.5 (MANE Select); coding-DNA position 1190, C replaced by T.
Protein change: p.Pro397Leu; replaces proline 397 with leucine.
Molecular consequence: missense variant.
Genome position (GRCh38, 1-based): chr9:132,910,644, G>A on the plus strand (C>T on the coding strand, the complement: TSC1 is on the minus strand). VCF-style: chr9-132910644-G-A. GRCh37 (hg19) VCF-style: chr9-135786031-G-A.
Other names: c.1187C>T, p.Pro396Leu (NM_001162426.2); c.1037C>T, p.Pro346Leu (NM_001162427.2); c.827C>T, p.Pro276Leu (NM_001362177.2); short protein forms P397L, P346L, P396L, P276L.
Identifiers: ClinVar variation 576855 (VCV000576855.16), dbSNP rs766487204, ClinGen allele CA027226.